The following is an entry in ClinVar:

NM_138691.3(TMC1):c.969C>G (p.Tyr323Ter)

Gene: TMC1 (transmembrane channel like 1; plus strand). Cytogenetic location: 9q21.13.
Variant type: single nucleotide variant.
Coding change: c.969C>G on transcript NM_138691.3 (MANE Select); coding-DNA position 969, C replaced by G.
Protein change: p.Tyr323Ter; replaces tyrosine 323 with a stop codon.
Molecular consequence: nonsense.
Genome position (GRCh38, 1-based): chr9:72,788,423, C>G. VCF-style: chr9-72788423-C-G. GRCh37 (hg19) VCF-style: chr9-75403339-C-G.
Other names: short protein forms Y323*.
Identifiers: ClinVar variation 3601924 (VCV003601924.1).

ClinVar aggregate classification (germline): Pathogenic (1 of 4 stars; one submission).

Conditions:
Autosomal recessive nonsyndromic hearing loss 7. Also called: DEAFNESS, AUTOSOMAL RECESSIVE 11. Identifiers: Orphanet 90636, MedGen C1832978, MONDO:0010967, OMIM 600974.

Submission:

Institute of Rare Diseases, West China Hospital, Sichuan University
Classification: Pathogenic for Autosomal recessive nonsyndromic hearing loss 7. Last evaluated: 2025-01-09. Review status: criteria provided, single submitter. Criteria: ClinGen HL ACMG Specifications v1. Collection method: research. Allele origin: germline. Affected: yes.
Comment: PVS1;PM3;PM2_Supporting